The following is an entry in ClinVar:

NM_201384.3(PLEC):c.1980G>T (p.Ala660=)

Gene: PLEC (plectin; minus strand). Cytogenetic location: 8q24.3.
Variant type: single nucleotide variant.
Coding change: c.1980G>T on transcript NM_201384.3 (MANE Select); coding-DNA position 1980, G replaced by T.
Protein change: p.Ala660=; no amino-acid change (alanine 660 retained).
Molecular consequence: synonymous variant.
Genome position (GRCh38, 1-based): chr8:143,932,232, C>A on the plus strand (G>T on the coding strand, the complement: PLEC is on the minus strand). VCF-style: chr8-143932232-C-A. GRCh37 (hg19) VCF-style: chr8-145006400-C-A.
Other names: c.2061G>T, p.Ala687= (NM_000445.5, NM_001410941.1); c.1938G>T, p.Ala646= (NM_201378.4); c.1914G>T, p.Ala638= (NM_201379.3); c.2391G>T, p.Ala797= (NM_201380.4); c.1884G>T, p.Ala628= (NM_201381.3); c.1980G>T, p.Ala660= (NM_201382.4); c.1992G>T, p.Ala664= (NM_201383.3).
Identifiers: ClinVar variation 3029362 (VCV003029362.2), dbSNP rs782001129, ClinGen allele CA463536229.

ClinVar aggregate classification (germline): Likely benign (0 of 4 stars; one submission).

Conditions:
PLEC-related disorder. Also called: PLEC-related condition; PLEC-related disorders.

Submission:

PreventionGenetics, part of Exact Sciences
Classification: Likely benign for PLEC-related condition. Last evaluated: 2024-01-03. Review status: no assertion criteria provided. Collection method: clinical testing. Allele origin: germline.
Comment: This variant is classified as likely benign based on ACMG/AMP sequence variant interpretation guidelines (Richards et al. 2015 PMID: 25741868, with internal and published modifications).